The following is an entry in ClinVar:

NM_004977.3(KCNC3):c.118C>T (p.Gln40Ter)

Genes: KCNC3 (potassium voltage-gated channel subfamily C member 3; minus strand), LOC111811967 (Sharpr-MPRA regulatory region 11330/13384; plus strand). Cytogenetic location: 19q13.33.
Variant type: single nucleotide variant.
Coding change: c.118C>T on transcript NM_004977.3 (MANE Select); coding-DNA position 118, C replaced by T.
Protein change: p.Gln40Ter; replaces glutamine 40 with a stop codon.
Molecular consequence: nonsense. On other transcripts: 5 prime UTR variant (1).
Genome position (GRCh38, 1-based): chr19:50,328,965, G>A on the plus strand (C>T on the coding strand, the complement: KCNC3 is on the minus strand). VCF-style: chr19-50328965-G-A. GRCh37 (hg19) VCF-style: chr19-50832222-G-A.
Other names: c.-111C>T (NM_001372305.1); short protein forms Q40*.
Identifiers: ClinVar variation 2430859 (VCV002430859.1), dbSNP rs2037144626, ClinGen allele CA406956663.

ClinVar aggregate classification (germline): Uncertain significance (1 of 4 stars; one submission).

Allele frequency attached by ClinVar (database versions not stated): TOPMed below 0.00001.

Submission:

GeneDx
Classification: Uncertain significance. Last evaluated: 2022-08-22. Review status: criteria provided, single submitter. Criteria: GeneDx Variant Classification Process June 2021. Collection method: clinical testing. Allele origin: germline. Affected: yes.
Comment: Nonsense variant predicted to result in protein truncation or nonsense mediated decay in a gene or region of a gene for which loss of function is not a well-established mechanism of disease; Not observed at significant frequency in large population cohorts (gnomAD); Has not been previously published as pathogenic or benign to our knowledge